The following is an entry in ClinVar:

NM_004119.3(FLT3):c.2525A>G (p.Tyr842Cys)

Gene: FLT3 (fms related receptor tyrosine kinase 3; minus strand). Cytogenetic location: 13q12.2.
Variant type: single nucleotide variant.
Coding change: c.2525A>G on transcript NM_004119.3 (MANE Select); coding-DNA position 2525, A replaced by G.
Protein change: p.Tyr842Cys; replaces tyrosine 842 with cysteine.
Molecular consequence: missense variant. On other transcripts: non-coding transcript variant (1).
Genome position (GRCh38, 1-based): chr13:28,018,483, T>C on the plus strand (A>G on the coding strand, the complement: FLT3 is on the minus strand). VCF-style: chr13-28018483-T-C. GRCh37 (hg19) VCF-style: chr13-28592620-T-C.
Other names: c.2525A>G (NM_004119.2); short protein forms Y842C.
Identifiers: ClinVar variation 4984322 (VCV004984322.1), dbSNP rs376588714.

ClinVar aggregate classification (germline): Likely pathogenic (1 of 4 stars; one submission).

Conditions:
FLT3-related disorder. Also called: FLT3-related condition.

Allele frequency attached by ClinVar (database versions not stated): gnomAD 0.00001; ExAC 0.00002; gnomAD exomes 0.00002; TOPMed 0.00003; ESP Exome Variant Server 0.00008.
gnomAD v4.1: 47 of 1,614,036 alleles (0.0029%); highest among the groups gnomAD compares: African/African-American, 0.004%; no homozygotes.

Submission:

PreventionGenetics, part of Exact Sciences
Classification: Likely pathogenic for FLT3-related condition. Last evaluated: 2025-01-31. Review status: criteria provided, single submitter. Criteria: ACMG Guidelines, 2015. Collection method: clinical testing. Allele origin: germline.
Comment: The FLT3 c.2525A>G variant is predicted to result in the amino acid substitution p.Tyr842Cys. This variant has been reported in multiple individuals with acute lymphoblastic leukemia or acute myeloid leukemia (de Smith et al. 2019. PubMed ID: 31102422; Kindler et al. 2005. PubMed ID: 15345593). This variant is reported in 0.0062% of alleles in individuals of African descent in gnomAD. In vitro and in vivo experimental studies suggest this variant results in constitutive tyrosine phosphorylation of FLT3 and confers immuno-therapeutic resistance (Kindler et al. 2005. PubMed ID: 15345593; Smith et al. 2012. PubMed ID: 22504184; Williams et al. 2013. PubMed ID: 22858906). This variant is interpreted as likely pathogenic.